The following is an entry in ClinVar:

ClinVar aggregate classification (germline): Uncertain significance (1 of 4 stars; one submission).

gnomAD v4.1: 22 of 1,601,114 alleles (0.0014%); highest among the groups gnomAD compares: Non-Finnish European, 0.0017%; no homozygotes.

Submission:

Ambry Genetics
Classification: Uncertain significance. Last evaluated: 2025-11-24. Review status: criteria provided, single submitter. Criteria: Ambry Variant Classification Scheme 2023. Collection method: clinical testing. Allele origin: germline.
Comment: The c.1171C>T (p.R391C) alteration is located in exon 6 (coding exon 6) of the BCL9L gene. This alteration results from a C to T substitution at nucleotide position 1171, causing the arginine (R) at amino acid position 391 to be replaced by a cysteine (C). Based on data from gnomAD, the T allele has an overall frequency of 0.002% (4/238990) total alleles studied. The highest observed frequency was 0.003% (1/30560) of South Asian alleles. Based on insufficient or conflicting evidence, the clinical significance of this alteration remains unclear.

NM_001378213.1(BCL9L):c.1171C>T (p.Arg391Cys)

Gene: BCL9L (BCL9 like; minus strand). Cytogenetic location: 11q23.3.
Variant type: single nucleotide variant.
Coding change: c.1171C>T on transcript NM_001378213.1 (MANE Select); coding-DNA position 1171, C replaced by T.
Protein change: p.Arg391Cys; replaces arginine 391 with cysteine.
Molecular consequence: missense variant.
Genome position (GRCh38, 1-based): chr11:118,902,572, G>A on the plus strand (C>T on the coding strand, the complement: BCL9L is on the minus strand). VCF-style: chr11-118902572-G-A. GRCh37 (hg19) VCF-style: chr11-118773281-G-A.
Other names: c.1060C>T, p.Arg354Cys (NM_001378214.1, NM_001437465.1); c.1171C>T, p.Arg391Cys (NM_182557.4); short protein forms R354C, R391C.
Identifiers: ClinVar variation 4645552 (VCV004645552.1).
Genomic context (GRCh38, chr11:118,902,572, plus strand): 5'-GGGACCGTTCCCGATGCTCCAGCTGCTCTTTGGACAAGCCCTCTGAGCCCACCAGGCTGC[G>A]CTGCCCATTTCCAGGGGCGGCTGCCTCCCCCAGCAGGGCAGGGCCGGGGGCACTGCTGGG-3'
Protein context (NP_001365142.1, residues 381-401): GEAAAPGNGQ[Arg391Cys]SLVGSEGLSK